The following is an entry in ClinVar:

NM_000207.3(INS):c.26C>G (p.Pro9Arg)

Genes: INS (insulin; minus strand), INS-IGF2 (INS-IGF2 readthrough; minus strand). Cytogenetic location: 11p15.5.
Variant type: single nucleotide variant.
Coding change: c.26C>G on transcript NM_000207.3 (MANE Select); coding-DNA position 26, C replaced by G.
Protein change: p.Pro9Arg; replaces proline 9 with arginine.
Molecular consequence: missense variant. On other transcripts: non-coding transcript variant (1).
Genome position (GRCh38, 1-based): chr11:2,160,946, G>C on the plus strand (C>G on the coding strand, the complement: INS is on the minus strand). VCF-style: chr11-2160946-G-C. GRCh37 (hg19) VCF-style: chr11-2182176-G-C.
Other names: c.26C>G, p.Pro9Arg (NM_001185097.2, NM_001185098.2, NM_001291897.2 and 1 more transcripts); short protein forms P9R.
Identifiers: ClinVar variation 626220 (VCV000626220.3), dbSNP rs1564912403, ClinGen allele CA379122455.

ClinVar aggregate classification (germline): Likely risk allele. Review status: criteria provided, single submitter (1 of 4 stars). 2 submissions from 2 submitters: Likely risk allele (1). 1 of the submissions does not count toward it.

Conditions:
Neonatal insulin-dependent diabetes mellitus. Identifiers: MedGen C3278636, HP:0000857.
Permanent neonatal diabetes mellitus (PNDM). Identifiers: Orphanet 99885, MedGen C1833104, MONDO:0100164, MONDO:0011643. Disease mechanism: gain of function.

Submissions (2):

Clinical Genomics, Uppaluri K&H Personalized Medicine Clinic
Classification: Likely risk allele for Neonatal insulin-dependent diabetes mellitus. Review status: criteria provided, single submitter. Criteria: K & H Uppaluri Personalized Medicine Clinic Variant Classification & Assertion Criteria_Updated V.1. Collection method: research. Allele origin: unknown.
Comment: Mutations in INS gene can cause early onset diabetes mellitus which is insulin dependent. May have poor response to sulfonylureas, as this mutation can cause beta cell destruction. However no sufficient evidence is found to ascertain the role of this particular variant rs1564912403, yet.

Rady Children's Institute for Genomic Medicine, Rady Children's Hospital San Diego
Classification: Likely pathogenic for Permanent neonatal diabetes mellitus 1. Review status: no assertion criteria provided. Collection method: clinical testing. Allele origin: germline. Affected: yes. Not counted in ClinVar's aggregate classification.

Literature cited by the submitters: PubMed 11921414 (cited by Clinical Genomics, Uppaluri K&H Personalized Medicine Clinic); PubMed 25542748 (cited by Clinical Genomics, Uppaluri K&H Personalized Medicine Clinic); PubMed 26101329 (cited by Clinical Genomics, Uppaluri K&H Personalized Medicine Clinic); PubMed 18171712 (cited by Clinical Genomics, Uppaluri K&H Personalized Medicine Clinic).